The following is an entry in ClinVar:

NM_001267550.2(TTN):c.68527+1G>T

Genes: TTN (titin; minus strand), TTN-AS1 (TTN antisense RNA 1; plus strand). Cytogenetic location: 2q31.2.
Variant type: single nucleotide variant.
Coding change: c.68527+1G>T on transcript NM_001267550.2 (MANE Select); the canonical splice donor site of the intron after coding-DNA position 68527, G replaced by T.
Molecular consequence: splice donor variant.
Genome position (GRCh38, 1-based): chr2:178,577,987, C>A on the plus strand (G>T on the coding strand, the complement: TTN is on the minus strand). VCF-style: chr2-178577987-C-A. GRCh37 (hg19) VCF-style: chr2-179442714-C-A.
Other names: c.41332+1G>T (NM_003319.4); c.41908+1G>T (NM_133437.4); c.41707+1G>T (NM_133432.3); c.60823+1G>T (NM_133378.4); c.63604+1G>T (NM_001256850.1).
Identifiers: ClinVar variation 3330048 (VCV003330048.6).

ClinVar aggregate classification (germline): Conflicting classifications of pathogenicity. Review status: criteria provided, conflicting classifications (1 of 4 stars). 3 submissions from 3 submitters: Likely pathogenic (2); Uncertain significance (1). Last evaluated 2026-09-03.

Conditions:
Dilated cardiomyopathy 1G (CMD1G). Identifiers: Orphanet 154, MedGen C1858763, MONDO:0011400, OMIM 604145.
Autosomal recessive limb-girdle muscular dystrophy type 2J (LGMDR10). Also called: MUSCULAR DYSTROPHY, LIMB-GIRDLE, AUTOSOMAL RECESSIVE 10; Limb-girdle muscular dystrophy, type 2J. Identifiers: Orphanet 140922, MedGen C1837342, MONDO:0012127, OMIM 608807.
Cardiovascular phenotype. Identifiers: MedGen CN230736.

gnomAD v4.1: 3 of 1,610,746 alleles (0.00019%); highest among the groups gnomAD compares: East Asian, 0.0045%; no homozygotes.

Submissions (3):

Ambry Genetics
Classification: Uncertain significance for Cardiovascular phenotype. Last evaluated: 2026-09-03. Review status: criteria provided, single submitter. Criteria: Ambry Variant Classification Scheme 2023. Collection method: clinical testing. Allele origin: germline.
Comment: The c.41332+1G>T intronic variant results from a G to T substitution one nucleotide after coding exon 149 of the TTN gene. Exon 149 is located in the A-band region of the N2-B isoform of the titin protein and is constitutively expressed in TTN transcripts (percent spliced in or PSI 100%). This nucleotide position is highly conserved in available vertebrate species. In silico splice site analysis predicts that this alteration will weaken the native splice donor site. This variant disrupts the canonical splice site and is expected to cause aberrant splicing. However, although direct evidence is unavailable, this variant is predicted to result in an in-frame transcript that is not expected to trigger nonsense-mediated mRNA decay. The exact functional effect of the predicted splice impact is unknown. Based on the available evidence, the clinical significance of this variant remains unclear.

GeneDx
Classification: Likely pathogenic. Last evaluated: 2026-09-03. Review status: criteria provided, single submitter. Criteria: GeneDx Variant Classification Process June 2021. Collection method: clinical testing. Allele origin: germline.
Comment: Canonical splice site variant predicted to result in an in-frame loss of the adjacent exon in a gene for which loss of function is a known mechanism of disease; Not observed at significant frequency in large population cohorts (gnomAD); Has not been previously published as pathogenic or benign to our knowledge; This variant is associated with the following publications: (PMID: 22335739)

Labcorp Genetics (formerly Invitae), Labcorp
Classification: Likely pathogenic for Dilated cardiomyopathy 1G; Autosomal recessive limb-girdle muscular dystrophy type 2J. Last evaluated: 2024-10-09. Review status: criteria provided, single submitter. Criteria: Invitae Variant Classification Sherloc (09022015). Collection method: clinical testing. Allele origin: germline.
Comment: This sequence change affects a donor splice site in intron 322 of the TTN gene. It is expected to disrupt RNA splicing and likely results in a truncated or disrupted TTN protein. This variant is not present in population databases (gnomAD no frequency). This variant has not been reported in the literature in individuals affected with TTN-related conditions. Algorithms developed to predict the effect of sequence changes on RNA splicing suggest that this variant may disrupt the consensus splice site. This variant is located in the A band of TTN (PMID: 25589632). Truncating variants in this region are significantly overrepresented in patients affected with dilated cardiomyopathy (PMID: 25589632). Truncating variants in this region have also been reported in individuals affected with autosomal recessive centronuclear myopathy (PMID: 23975875). In summary, the currently available evidence indicates that the variant is pathogenic, but additional data are needed to prove that conclusively. Therefore, this variant has been classified as Likely Pathogenic.

Literature cited by the submitters: PubMed 25589632 (cited by Labcorp Genetics (formerly Invitae), Labcorp); PubMed 23975875 (cited by Labcorp Genetics (formerly Invitae), Labcorp).